The following is an entry in ClinVar:

NM_000138.5(FBN1):c.5378G>T (p.Cys1793Phe)

Gene: FBN1 (fibrillin 1; minus strand). Cytogenetic location: 15q21.1.
Variant type: single nucleotide variant.
Coding change: c.5378G>T on transcript NM_000138.5 (MANE Select); coding-DNA position 5378, G replaced by T.
Protein change: p.Cys1793Phe; replaces cysteine 1793 with phenylalanine.
Molecular consequence: missense variant.
Genome position (GRCh38, 1-based): chr15:48,456,681, C>A on the plus strand (G>T on the coding strand, the complement: FBN1 is on the minus strand). VCF-style: chr15-48456681-C-A. GRCh37 (hg19) VCF-style: chr15-48748878-C-A.
Other names: c.5378G>T, p.Cys1793Phe (NM_001406716.1); short protein forms C1793F.
Identifiers: ClinVar variation 3754063 (VCV003754063.2).

ClinVar aggregate classification (germline): Pathogenic (1 of 4 stars; one submission).

Conditions:
Marfan syndrome (MFS). Also called: MARFAN SYNDROME, TYPE I; Marfan syndrome type 1; Marfan's syndrome; Marfan syndrome, classic; FBN1-Related Marfan Syndrome. Identifiers: Orphanet 284963, Orphanet 558, MedGen C0024796, MONDO:0007947, OMIM 154700.
Familial thoracic aortic aneurysm and aortic dissection (TAAD). Also called: Thoracic aortic aneurysms and dissections. Identifiers: Orphanet 91387, MedGen C4707243, MONDO:0019625.

Submission:

Labcorp Genetics (formerly Invitae), Labcorp
Classification: Pathogenic for Marfan syndrome; Familial thoracic aortic aneurysm and aortic dissection. Last evaluated: 2024-09-03. Review status: criteria provided, single submitter. Criteria: Invitae Variant Classification Sherloc (09022015). Collection method: clinical testing. Allele origin: germline.
Comment: This sequence change replaces cysteine, which is neutral and slightly polar, with phenylalanine, which is neutral and non-polar, at codon 1793 of the FBN1 protein (p.Cys1793Phe). This variant is not present in population databases (gnomAD no frequency). This missense change has been observed in individual(s) with Marfan syndrome (internal data). Invitae Evidence Modeling of protein sequence and biophysical properties (such as structural, functional, and spatial information, amino acid conservation, physicochemical variation, residue mobility, and thermodynamic stability) indicates that this missense variant is expected to disrupt FBN1 protein function with a positive predictive value of 95%. This variant affects a cysteine residue in the EGF-like, TGFBP or hybrid motif domains of FBN1. Cysteine residues are believed to be involved in intramolecular disulfide bridges and have been shown to be important for FBN1 protein structure (PMID: 16905551, 19349279). In addition, missense substitutions affecting cysteine residues within these domains are significantly overrepresented among patients with Marfan syndrome (PMID: 16571647, 17701892). This variant disrupts the p.Cys1793 amino acid residue in FBN1. Other variant(s) that disrupt this residue have been observed in individuals with FBN1-related conditions (PMID: 14695540, 17627385; internal data), which suggests that this may be a clinically significant amino acid residue. For these reasons, this variant has been classified as Pathogenic.

Literature cited by the submitters: PubMed 16905551; PubMed 19349279; PubMed 16571647; PubMed 17701892; PubMed 14695540; PubMed 17627385.